The following is an entry in ClinVar:

ClinVar aggregate classification (germline): Uncertain significance (1 of 4 stars; one submission).

Conditions:
Nephronophthisis. Also called: Juvenile Nephronophthisis. Identifiers: Orphanet 655, MedGen C0687120, MONDO:0019005, HP:0000090.

Allele frequency attached by ClinVar (database versions not stated): gnomAD exomes below 0.00001; gnomAD 0.00001; TOPMed 0.00002.
gnomAD v4.1: 5 of 1,612,762 alleles (0.00031%); highest among the groups gnomAD compares: African/African-American, 0.004%; no homozygotes.

Submission:

Labcorp Genetics (formerly Invitae), Labcorp
Classification: Uncertain significance for Nephronophthisis. Last evaluated: 2022-07-19. Review status: criteria provided, single submitter. Criteria: Invitae Variant Classification Sherloc (09022015). Collection method: clinical testing. Allele origin: germline.
Comment: This variant has not been reported in the literature in individuals affected with NPHP4-related conditions. In summary, the available evidence is currently insufficient to determine the role of this variant in disease. Therefore, it has been classified as a Variant of Uncertain Significance. Variants that disrupt the consensus splice site are a relatively common cause of aberrant splicing (PMID: 17576681, 9536098). Algorithms developed to predict the effect of sequence changes on RNA splicing suggest that this variant is not likely to affect RNA splicing. ClinVar contains an entry for this variant (Variation ID: 1433510). This variant is not present in population databases (gnomAD no frequency). This sequence change falls in intron 28 of the NPHP4 gene. It does not directly change the encoded amino acid sequence of the NPHP4 protein. It affects a nucleotide within the consensus splice site.

Literature cited by the submitters: PubMed 17576681; PubMed 9536098.

NM_015102.5(NPHP4):c.3997-3C>T

Gene: NPHP4 (nephrocystin 4; minus strand). Cytogenetic location: 1p36.31.
Variant type: single nucleotide variant.
Coding change: c.3997-3C>T on transcript NM_015102.5 (MANE Select); 3 bases into the intron before coding-DNA position 3997, C replaced by T.
Molecular consequence: intron variant.
Genome position (GRCh38, 1-based): chr1:5,864,036, G>A on the plus strand (C>T on the coding strand, the complement: NPHP4 is on the minus strand). VCF-style: chr1-5864036-G-A. GRCh37 (hg19) VCF-style: chr1-5924096-G-A.
Other names: c.2461-3C>T (NM_001291594.2); c.2458-3C>T (NM_001291593.2).
Identifiers: ClinVar variation 1433510 (VCV001433510.6), dbSNP rs991565030, ClinGen allele CA17124879.